The following is an entry in ClinVar:

NM_000350.3(ABCA4):c.4653G>A (p.Trp1551Ter)

Gene: ABCA4 (ATP binding cassette subfamily A member 4; minus strand). Cytogenetic location: 1p22.1.
Variant type: single nucleotide variant.
Coding change: c.4653G>A on transcript NM_000350.3 (MANE Select); coding-DNA position 4653, G replaced by A.
Protein change: p.Trp1551Ter; replaces tryptophan 1551 with a stop codon.
Molecular consequence: nonsense.
Genome position (GRCh38, 1-based): chr1:94,023,400, C>T on the plus strand (G>A on the coding strand, the complement: ABCA4 is on the minus strand). VCF-style: chr1-94023400-C-T. GRCh37 (hg19) VCF-style: chr1-94488956-C-T.
Other names: c.4431G>A, p.Trp1477Ter (NM_001425324.1); short protein forms W1551*, W1477*.
Identifiers: ClinVar variation 2202787 (VCV002202787.4), dbSNP rs1340746441, ClinGen allele CA341284213.
Genomic context (GRCh38, chr1:94,023,400, plus strand): 5'-AATGAATCAATCTGAGATTTTAATTCTGATAAAAATAGTTTCTTACCTCTGTTCATTGAC[C>T]CAGAATTTGCTCTTTAAGCTGAAAGCCAAAATAAAATAATGCAATGAATACCACAAGTAC-3'

ClinVar aggregate classification (germline): Pathogenic (1 of 4 stars; one submission).

Submission:

Labcorp Genetics (formerly Invitae), Labcorp
Classification: Pathogenic. Last evaluated: 2022-11-28. Review status: criteria provided, single submitter. Criteria: Invitae Variant Classification Sherloc (09022015). Collection method: clinical testing. Allele origin: germline.
Comment: This sequence change creates a premature translational stop signal (p.Trp1551*) in the ABCA4 gene. It is expected to result in an absent or disrupted protein product. Loss-of-function variants in ABCA4 are known to be pathogenic (PMID: 10958761, 24938718, 25312043, 26780318). This variant is not present in population databases (gnomAD no frequency). This premature translational stop signal has been observed in individual(s) with ABCA4-related retinal dystrophy (PMID: 22229821, 29925512). For these reasons, this variant has been classified as Pathogenic.

Literature cited by the submitters: PubMed 10958761; PubMed 24938718; PubMed 25312043; PubMed 26780318; PubMed 22229821; PubMed 29925512.